The following is an entry in ClinVar:

NM_001354604.2(MITF):c.923A>G (p.Lys308Arg)

Gene: MITF (melanocyte inducing transcription factor; plus strand). Cytogenetic location: 3p13.
Variant type: single nucleotide variant.
Coding change: c.923A>G on transcript NM_001354604.2 (MANE Select); coding-DNA position 923, A replaced by G.
Protein change: p.Lys308Arg; replaces lysine 308 with arginine.
Molecular consequence: missense variant.
Genome position (GRCh38, 1-based): chr3:69,951,854, A>G. VCF-style: chr3-69951854-A-G. GRCh37 (hg19) VCF-style: chr3-70001005-A-G.
Other names: c.602A>G, p.Lys201Arg (NM_000248.4); c.749A>G, p.Lys250Arg (NM_001184967.2, NM_001354608.2); c.920A>G, p.Lys307Arg (NM_001354605.2); c.902A>G, p.Lys301Arg (NM_001354606.2, NM_006722.3); c.854A>G, p.Lys285Arg (NM_001354607.2); c.584A>G, p.Lys195Arg (NM_198158.3); c.905A>G, p.Lys302Arg (NM_198159.3); c.857A>G, p.Lys286Arg (NM_198177.3); and 1 more; short protein forms K139R, K195R, K201R, K250R, K285R, K286R, K301R, K302R.
Identifiers: ClinVar variation 3750402 (VCV003750402.3).

ClinVar aggregate classification (germline): Uncertain significance. Review status: criteria provided, multiple submitters, no conflicts (2 of 4 stars). 2 submissions from 2 submitters: Uncertain significance (2). Last evaluated 2025-03-04.

Conditions:
MITF-related disorder. Also called: MITF-related condition.
Tietz syndrome (TADS). Also called: ALBINISM-DEAFNESS OF TIETZ; HYPOPIGMENTATION/DEAFNESS OF TIETZ; TIETZ ALBINISM-DEAFNESS SYNDROME. Identifiers: Orphanet 42665, MedGen C0391816, MONDO:0007077, OMIM 103500.
Melanoma, cutaneous malignant, susceptibility to, 8. Also called: MELANOMA AND RENAL CELL CARCINOMA, SUSCEPTIBILITY TO; Cutaneous malignant melanoma 8. Identifiers: Orphanet 293822, MedGen C3152204, MONDO:0013759, OMIM 614456.
Waardenburg syndrome type 2A (WS2A). Also called: WAARDENBURG SYNDROME WITHOUT DYSTOPIA CANTHORUM. Identifiers: Orphanet 3440, MedGen C1860339, MONDO:0008671, OMIM 193510.

gnomAD v4.1: 1 of 1,613,542 alleles (0.000062%); highest among the groups gnomAD compares: Non-Finnish European, 0.000085%; no homozygotes.

Submissions (2):

Labcorp Genetics (formerly Invitae), Labcorp
Classification: Uncertain significance for Melanoma, cutaneous malignant, susceptibility to, 8; Waardenburg syndrome type 2A; Tietz syndrome. Last evaluated: 2025-03-04. Review status: criteria provided, single submitter. Criteria: Invitae Variant Classification Sherloc (09022015). Collection method: clinical testing. Allele origin: germline.
Comment: This sequence change replaces lysine, which is basic and polar, with arginine, which is basic and polar, at codon 201 of the MITF protein (p.Lys201Arg). This variant is not present in population databases (gnomAD no frequency). This variant has not been reported in the literature in individuals affected with MITF-related conditions. Invitae Evidence Modeling of protein sequence and biophysical properties (such as structural, functional, and spatial information, amino acid conservation, physicochemical variation, residue mobility, and thermodynamic stability) indicates that this missense variant is not expected to disrupt MITF protein function with a negative predictive value of 80%. Experimental studies have shown that this missense change affects MITF function (PMID: 10694430). In summary, the available evidence is currently insufficient to determine the role of this variant in disease. Therefore, it has been classified as a Variant of Uncertain Significance.

PreventionGenetics, part of Exact Sciences
Classification: Uncertain significance for MITF-related condition. Last evaluated: 2024-11-15. Review status: criteria provided, single submitter. Criteria: ACMG Guidelines, 2015. Collection method: clinical testing. Allele origin: germline.
Comment: The MITF c.602A>G variant is predicted to result in the amino acid substitution p.Lys201Arg. To our knowledge, this variant has not been reported in the literature or in a large population database, indicating this variant is rare. At this time, the clinical significance of this variant is uncertain due to the absence of conclusive functional and genetic evidence.

Literature cited by the submitters: PubMed 10694430 (cited by Labcorp Genetics (formerly Invitae), Labcorp).